The following is an entry in ClinVar:

NM_212552.3(BOLA3):c.95G>C (p.Gly32Ala)

Gene: BOLA3 (bolA family member 3; minus strand). Cytogenetic location: 2p13.1.
Variant type: single nucleotide variant.
Coding change: c.95G>C on transcript NM_212552.3 (MANE Select); coding-DNA position 95, G replaced by C.
Protein change: p.Gly32Ala; replaces glycine 32 with alanine.
Molecular consequence: missense variant.
Genome position (GRCh38, 1-based): chr2:74,145,263, C>G on the plus strand (G>C on the coding strand, the complement: BOLA3 is on the minus strand). VCF-style: chr2-74145263-C-G. GRCh37 (hg19) VCF-style: chr2-74372390-C-G.
Other names: c.95G>C, p.Gly32Ala (NM_001035505.2); short protein forms G32A.
Identifiers: ClinVar variation 4732010 (VCV004732010.1).
Genomic context (GRCh38, chr2:74,145,263, plus strand): 5'-ACTTTTATAGCTGTAGCTCGTGGAAACTTTTCTTTGAGAATTTGGGTCACTCTGAGCTCC[C>G]CCTCAGTCTGAGTGGCAAACATCCGATGGTGAAGTGGAAGCTGCCACAGAACAGAGAGGA-3'
Protein context (NP_997717.2, residues 22-42): HHRMFATQTE[Gly32Ala]ELRVTQILKE

ClinVar aggregate classification (germline): Uncertain significance (1 of 4 stars; one submission).

Submission:

Labcorp Genetics (formerly Invitae), Labcorp
Classification: Uncertain significance. Last evaluated: 2025-11-26. Review status: criteria provided, single submitter. Criteria: Invitae Variant Classification Sherloc (09022015). Collection method: clinical testing. Allele origin: germline.
Comment: This sequence change replaces glycine, which is neutral and non-polar, with alanine, which is neutral and non-polar, at codon 32 of the BOLA3 protein (p.Gly32Ala). This variant is not present in population databases (gnomAD no frequency). This variant has not been reported in the literature in individuals affected with BOLA3-related conditions. An algorithm developed to predict the effect of missense changes on protein structure and function (PolyPhen-2) suggests that this variant is likely to be tolerated. In summary, the available evidence is currently insufficient to determine the role of this variant in disease. Therefore, it has been classified as a Variant of Uncertain Significance.